The following is an entry in ClinVar:

NM_006516.4(SLC2A1):c.779T>C (p.Leu260Pro)

Gene: SLC2A1 (solute carrier family 2 member 1; minus strand). Cytogenetic location: 1p34.2.
Variant type: single nucleotide variant.
Coding change: c.779T>C on transcript NM_006516.4 (MANE Select); coding-DNA position 779, T replaced by C.
Protein change: p.Leu260Pro; replaces leucine 260 with proline.
Molecular consequence: missense variant.
Genome position (GRCh38, 1-based): chr1:42,929,681, A>G on the plus strand (T>C on the coding strand, the complement: SLC2A1 is on the minus strand). VCF-style: chr1-42929681-A-G. GRCh37 (hg19) VCF-style: chr1-43395352-A-G.
Other names: short protein forms L260P.
Identifiers: ClinVar variation 580687 (VCV000580687.9), dbSNP rs1557645921, ClinGen allele CA339957776.
Genomic context (GRCh38, chr1:42,929,681, plus strand): 5'-AGCTGCAGCACCACAGCGATGAGGATGGGCTGGCGGTAGGCGGGGGAGCGGAACAGCTCC[A>G]GGATGGTGACCTTCTTCTCCCGCATCATCTGCCGACTCTCTTCCTTCATCTCCTGCAGGT-3'
Protein context (NP_006507.2, residues 250-270): QMMREKKVTI[Leu260Pro]ELFRSPAYRQ

ClinVar aggregate classification (germline): Uncertain significance (1 of 4 stars; one submission).

Conditions:
GLUT1 deficiency syndrome 1, autosomal recessive. Identifiers: MedGen C3149117.

Submission:

Labcorp Genetics (formerly Invitae), Labcorp
Classification: Uncertain significance for GLUT1 deficiency syndrome 1, autosomal recessive. Last evaluated: 2024-10-15. Review status: criteria provided, single submitter. Criteria: Invitae Variant Classification Sherloc (09022015). Collection method: clinical testing. Allele origin: germline.
Comment: This sequence change replaces leucine, which is neutral and non-polar, with proline, which is neutral and non-polar, at codon 260 of the SLC2A1 protein (p.Leu260Pro). This variant is not present in population databases (gnomAD no frequency). This variant has not been reported in the literature in individuals affected with SLC2A1-related conditions. ClinVar contains an entry for this variant (Variation ID: 580687). Invitae Evidence Modeling of protein sequence and biophysical properties (such as structural, functional, and spatial information, amino acid conservation, physicochemical variation, residue mobility, and thermodynamic stability) indicates that this missense variant is not expected to disrupt SLC2A1 protein function with a negative predictive value of 95%. In summary, the available evidence is currently insufficient to determine the role of this variant in disease. Therefore, it has been classified as a Variant of Uncertain Significance.